The following is an entry in ClinVar:

NM_001004334.4(GPR179):c.1296+3G>C

Gene: GPR179 (G protein-coupled receptor 179; minus strand). Cytogenetic location: 17q12.
Variant type: single nucleotide variant.
Coding change: c.1296+3G>C on transcript NM_001004334.4 (MANE Select); 3 bases into the intron after coding-DNA position 1296, G replaced by C.
Molecular consequence: intron variant.
Genome position (GRCh38, 1-based): chr17:38,336,073, C>G on the plus strand (G>C on the coding strand, the complement: GPR179 is on the minus strand). VCF-style: chr17-38336073-C-G. GRCh37 (hg19) VCF-style: chr17-36491956-C-G.
Identifiers: ClinVar variation 1478171 (VCV001478171.4), dbSNP rs561468961, ClinGen allele CA290109040.

ClinVar aggregate classification (germline): Uncertain significance (1 of 4 stars; one submission).

Allele frequency attached by ClinVar (database versions not stated): gnomAD 0.00001 and 0.00002; TOPMed 0.00001.
gnomAD v4.1: 17 of 1,611,054 alleles (0.0011%); highest among the groups gnomAD compares: Middle Eastern, 0.033%; no homozygotes.

Submission:

Labcorp Genetics (formerly Invitae), Labcorp
Classification: Uncertain significance. Last evaluated: 2022-07-06. Review status: criteria provided, single submitter. Criteria: Invitae Variant Classification Sherloc (09022015). Collection method: clinical testing. Allele origin: germline.
Comment: In summary, the available evidence is currently insufficient to determine the role of this variant in disease. Therefore, it has been classified as a Variant of Uncertain Significance. Variants that disrupt the consensus splice site are a relatively common cause of aberrant splicing (PMID: 17576681, 9536098). Algorithms developed to predict the effect of sequence changes on RNA splicing suggest that this variant may disrupt the consensus splice site. ClinVar contains an entry for this variant (Variation ID: 1478171). This variant has not been reported in the literature in individuals affected with GPR179-related conditions. The frequency data for this variant in the population databases is considered unreliable, as metrics indicate poor data quality at this position in the gnomAD database. This sequence change falls in intron 5 of the GPR179 gene. It does not directly change the encoded amino acid sequence of the GPR179 protein. It affects a nucleotide within the consensus splice site.

Literature cited by the submitters: PubMed 17576681; PubMed 9536098.